The following is an entry in ClinVar:

ClinVar aggregate classification (germline): Uncertain significance (1 of 4 stars; one submission).

Allele frequency attached by ClinVar (database versions not stated): gnomAD exomes 0.00001.
gnomAD v4.1: 13 of 1,598,476 alleles (0.00081%); highest among the groups gnomAD compares: Non-Finnish European, 0.0011%; no homozygotes.

Submission:

Labcorp Genetics (formerly Invitae), Labcorp
Classification: Uncertain significance. Last evaluated: 2025-08-21. Review status: criteria provided, single submitter. Criteria: Invitae Variant Classification Sherloc (09022015). Collection method: clinical testing. Allele origin: germline.
Comment: This sequence change replaces aspartic acid, which is acidic and polar, with glycine, which is neutral and non-polar, at codon 189 of the LPIN1 protein (p.Asp189Gly). The frequency data for this variant in the population databases is considered unreliable, as metrics indicate poor data quality at this position in the gnomAD database. This variant has not been reported in the literature in individuals affected with LPIN1-related conditions. ClinVar contains an entry for this variant (Variation ID: 1922303). Invitae Evidence Modeling of protein sequence and biophysical properties (such as structural, functional, and spatial information, amino acid conservation, physicochemical variation, residue mobility, and thermodynamic stability) indicates that this missense variant is not expected to disrupt LPIN1 protein function with a negative predictive value of 80%. In summary, the available evidence is currently insufficient to determine the role of this variant in disease. Therefore, it has been classified as a Variant of Uncertain Significance.

NM_001349206.2(LPIN1):c.566A>G (p.Asp189Gly)

Gene: LPIN1 (lipin 1; plus strand). Cytogenetic location: 2p25.1.
Variant type: single nucleotide variant.
Coding change: c.566A>G on transcript NM_001349206.2 (MANE Select); coding-DNA position 566, A replaced by G.
Protein change: p.Asp189Gly; replaces aspartic acid 189 with glycine.
Molecular consequence: missense variant. On other transcripts: non-coding transcript variant (1).
Genome position (GRCh38, 1-based): chr2:11,771,649, A>G. VCF-style: chr2-11771649-A-G. GRCh37 (hg19) VCF-style: chr2-11911775-A-G.
Other names: c.584A>G, p.Asp195Gly (NM_001261427.3); c.713A>G, p.Asp238Gly (NM_001261428.3, NM_001349208.2); c.566A>G, p.Asp189Gly (NM_001349199.2, NM_001349200.2, NM_001349201.2 and 5 more transcripts); c.656A>G, p.Asp219Gly (NM_001349207.2); short protein forms D238G, D189G, D195G, D219G.
Identifiers: ClinVar variation 1922303 (VCV001922303.5), dbSNP rs937896136, ClinGen allele CA42596174.